The following is an entry in ClinVar:

ClinVar aggregate classification (germline): Uncertain significance (1 of 4 stars; one submission).

Conditions:
Inborn genetic diseases. Identifiers: MedGen C0950123, MeSH D030342.

Submission:

Ambry Genetics
Classification: Uncertain significance for Inborn genetic diseases. Last evaluated: 2026-01-15. Review status: criteria provided, single submitter. Criteria: Ambry Variant Classification Scheme 2023. Collection method: clinical testing. Allele origin: germline.
Comment: The p.R318G variant (also known as c.952A>G), located in coding exon 11 of the FANCA gene, results from an A to G substitution at nucleotide position 952. The arginine at codon 318 is replaced by glycine, an amino acid with dissimilar properties. This amino acid position is conserved. In addition, this alteration is predicted to be tolerated by in silico analysis. Based on the available evidence, the clinical significance of this variant remains unclear.

NM_000135.4(FANCA):c.952A>G (p.Arg318Gly)

Gene: FANCA (FA complementation group A; minus strand). Cytogenetic location: 16q24.3.
Variant type: single nucleotide variant.
Coding change: c.952A>G on transcript NM_000135.4 (MANE Select); coding-DNA position 952, A replaced by G.
Protein change: p.Arg318Gly; replaces arginine 318 with glycine.
Molecular consequence: missense variant.
Genome position (GRCh38, 1-based): chr16:89,795,960, T>C on the plus strand (A>G on the coding strand, the complement: FANCA is on the minus strand). VCF-style: chr16-89795960-T-C. GRCh37 (hg19) VCF-style: chr16-89862368-T-C.
Other names: c.952A>G, p.Arg318Gly (NM_001286167.3); short protein forms R318G.
Identifiers: ClinVar variation 4824575 (VCV004824575.1).